The following is an entry in ClinVar:

ClinVar aggregate classification (germline): Likely benign (0 of 4 stars; one submission).

Conditions:
LRRC45-related disorder. Also called: LRRC45-related condition.

gnomAD v4.1: 50 of 1,612,040 alleles (0.0031%); highest among the groups gnomAD compares: Admixed American, 0.04%; no homozygotes.

Submission:

PreventionGenetics, part of Exact Sciences
Classification: Likely benign for LRRC45-related condition. Last evaluated: 2024-08-22. Review status: no assertion criteria provided. Collection method: clinical testing. Allele origin: germline.
Comment: This variant is classified as likely benign based on ACMG/AMP sequence variant interpretation guidelines (Richards et al. 2015 PMID: 25741868, with internal and published modifications).

NM_144999.4(LRRC45):c.1237+8C>T

Gene: LRRC45 (leucine rich repeat containing 45; plus strand). Cytogenetic location: 17q25.3.
Variant type: single nucleotide variant.
Coding change: c.1237+8C>T on transcript NM_144999.4 (MANE Select); 8 bases into the intron after coding-DNA position 1237, C replaced by T.
Molecular consequence: intron variant.
Genome position (GRCh38, 1-based): chr17:82,028,516, C>T. VCF-style: chr17-82028516-C-T. GRCh37 (hg19) VCF-style: chr17-79986392-C-T.
Identifiers: ClinVar variation 3358389 (VCV003358389.1).
Genomic context (GRCh38, chr17:82,028,516, plus strand): 5'-GGAGATGACCAGCATGTCAGCTGAGCTGAAGATGCGGGCCATCCAGGCCGAGGGTGGGCA[C>T]GGGCAGGCCTGCTGTGGAGGGGCCTGGGGATGGGCACCGGGGGACGGGGGCCCCCAGGGG-3'